The following is an entry in ClinVar:

NM_015909.4(NBAS):c.3079A>G (p.Thr1027Ala)

Gene: NBAS (NBAS subunit of NRZ tethering complex; minus strand). Cytogenetic location: 2p24.3.
Variant type: single nucleotide variant.
Coding change: c.3079A>G on transcript NM_015909.4 (MANE Select); coding-DNA position 3079, A replaced by G.
Protein change: p.Thr1027Ala; replaces threonine 1027 with alanine.
Molecular consequence: missense variant. On other transcripts: non-coding transcript variant (1).
Genome position (GRCh38, 1-based): chr2:15,396,468, T>C on the plus strand (A>G on the coding strand, the complement: NBAS is on the minus strand). VCF-style: chr2-15396468-T-C. GRCh37 (hg19) VCF-style: chr2-15536592-T-C.
Other names: c.3079A>G (NM_015909.2); short protein forms T1027A.
Identifiers: ClinVar variation 2801505 (VCV002801505.2), dbSNP rs1363403170, ClinGen allele CA345881455.
Genomic context (GRCh38, chr2:15,396,468, plus strand): 5'-CTCACCTGAGAATTTGTTCCAGTTGGTCTACCATGTCATGAAGCTTTGTGGTTGCCTCTG[T>C]CTTATCACTAATAAATTAAAAGAAGAAAAAAAAAAGCCCTTAAGTTTAGTATTAGCTTTT-3'
Protein context (NP_056993.2, residues 1017-1037): CLPERGYGDK[Thr1027Ala]EATTKLHDMV

ClinVar aggregate classification (germline): Uncertain significance. Review status: criteria provided, multiple submitters, no conflicts (2 of 4 stars). 2 submissions from 2 submitters: Uncertain significance (2). Last evaluated 2025-07-02.

Conditions:
Inborn genetic diseases. Identifiers: MedGen C0950123, MeSH D030342.

Allele frequency attached by ClinVar (database versions not stated): TOPMed below 0.00001.
gnomAD v4.1: 5 of 1,587,266 alleles (0.00032%); highest among the groups gnomAD compares: Non-Finnish European, 0.00043%; no homozygotes.

Submissions (2):

Ambry Genetics
Classification: Uncertain significance for Inborn genetic diseases. Last evaluated: 2025-07-02. Review status: criteria provided, single submitter. Criteria: Ambry Variant Classification Scheme 2023. Collection method: clinical testing. Allele origin: germline.

Labcorp Genetics (formerly Invitae), Labcorp
Classification: Uncertain significance. Last evaluated: 2023-08-11. Review status: criteria provided, single submitter. Criteria: Invitae Variant Classification Sherloc (09022015). Collection method: clinical testing. Allele origin: germline.
Comment: This sequence change replaces threonine, which is neutral and polar, with alanine, which is neutral and non-polar, at codon 1027 of the NBAS protein (p.Thr1027Ala). This variant is not present in population databases (gnomAD no frequency). This variant has not been reported in the literature in individuals affected with NBAS-related conditions. Advanced modeling of protein sequence and biophysical properties (such as structural, functional, and spatial information, amino acid conservation, physicochemical variation, residue mobility, and thermodynamic stability) performed at Invitae indicates that this missense variant is not expected to disrupt NBAS protein function. In summary, the available evidence is currently insufficient to determine the role of this variant in disease. Therefore, it has been classified as a Variant of Uncertain Significance.